The following is an entry in ClinVar:

ClinVar aggregate classification (germline): Uncertain significance (1 of 4 stars; one submission).

Conditions:
Metachromatic leukodystrophy (MLD). Also called: ARSA DEFICIENCY; CEREBROSIDE SULFATASE DEFICIENCY; Cerebral sclerosis diffuse metachromatic form; Arylsulfatase A Deficiency; SULFATIDE LIPIDOSIS; METACHROMATIC LEUKOENCEPHALOPATHY. Identifiers: Orphanet 512, MedGen C0023522, MONDO:0018868, OMIM 250100.

Allele frequency attached by ClinVar (database versions not stated): gnomAD exomes 0.00003; ExAC 0.00009; gnomAD 0.00019; TOPMed 0.00022; 1000 Genomes Project 30x 0.00031; ESP Exome Variant Server 0.00031; 1000 Genomes Project 0.00040.

Submission:

Labcorp Genetics (formerly Invitae), Labcorp
Classification: Uncertain significance for Metachromatic leukodystrophy. Last evaluated: 2022-09-07. Review status: criteria provided, single submitter. Criteria: Invitae Variant Classification Sherloc (09022015). Collection method: clinical testing. Allele origin: germline.
Comment: This sequence change replaces alanine, which is neutral and non-polar, with threonine, which is neutral and polar, at codon 207 of the ARSA protein (p.Ala207Thr). This variant is present in population databases (rs62001867, gnomAD 0.06%). This variant has not been reported in the literature in individuals affected with ARSA-related conditions. Advanced modeling of protein sequence and biophysical properties (such as structural, functional, and spatial information, amino acid conservation, physicochemical variation, residue mobility, and thermodynamic stability) performed at Invitae indicates that this missense variant is expected to disrupt ARSA protein function. In summary, the available evidence is currently insufficient to determine the role of this variant in disease. Therefore, it has been classified as a Variant of Uncertain Significance.

NM_000487.6(ARSA):c.619G>A (p.Ala207Thr)

Gene: ARSA (arylsulfatase A; minus strand). Cytogenetic location: 22q13.33.
Variant type: single nucleotide variant.
Coding change: c.619G>A on transcript NM_000487.6 (MANE Select); coding-DNA position 619, G replaced by A.
Protein change: p.Ala207Thr; replaces alanine 207 with threonine.
Molecular consequence: missense variant.
Genome position (GRCh38, 1-based): chr22:50,626,899, C>T on the plus strand (G>A on the coding strand, the complement: ARSA is on the minus strand). VCF-style: chr22-50626899-C-T. GRCh37 (hg19) VCF-style: chr22-51065327-C-T.
Other names: c.619G>A, p.Ala207Thr (NM_001085425.3, NM_001085426.3, NM_001085427.3); c.361G>A, p.Ala121Thr (NM_001085428.3, NM_001362782.2); short protein forms A121T, A207T.
Identifiers: ClinVar variation 2414375 (VCV002414375.5), dbSNP rs62001867, ClinGen allele CA10324966.
Genomic context (GRCh38, chr22:50,626,899, plus strand): 5'-AGGCATAGTACAGGAAGAAGGGGCGATCCTGGCGCTGGGCGTCGGCCATGAGGTCATGGG[C>T]GAAAGCCATGTAGCGGGCCTCTAGTCCGGGCAGCCAGGGGGGCTGCGCCTCCACGGACAG-3'
Protein context (NP_000478.3, residues 197-217): PGLEARYMAF[Ala207Thr]HDLMADAQRQ